The following is an entry in ClinVar:

ClinVar aggregate classification (germline): Uncertain significance (1 of 4 stars; one submission).

gnomAD v4.1: 1 of 1,613,678 alleles (0.000062%); highest among the groups gnomAD compares: Non-Finnish European, 0.000085%; no homozygotes.

Submission:

GeneDx
Classification: Uncertain significance. Last evaluated: 2019-12-27. Review status: criteria provided, single submitter. Criteria: GeneDx Variant Classification Process June 2021. Collection method: clinical testing. Allele origin: germline. Affected: yes.
Comment: Not observed at a significant frequency in large population cohorts (Lek et al., 2016); In silico analysis, which includes protein predictors and evolutionary conservation, supports that this variant does not alter protein structure/function; Has not been previously published as pathogenic or benign to our knowledge

NM_001365999.1(SZT2):c.5516G>T (p.Arg1839Leu)

Gene: SZT2 (SZT2 subunit of KICSTOR complex; plus strand). Cytogenetic location: 1p34.2.
Variant type: single nucleotide variant.
Coding change: c.5516G>T on transcript NM_001365999.1 (MANE Select); coding-DNA position 5516, G replaced by T.
Protein change: p.Arg1839Leu; replaces arginine 1839 with leucine.
Molecular consequence: missense variant.
Genome position (GRCh38, 1-based): chr1:43,432,590, G>T. VCF-style: chr1-43432590-G-T. GRCh37 (hg19) VCF-style: chr1-43898261-G-T.
Other names: c.5345G>T, p.Arg1782Leu (NM_015284.4); short protein forms R1782L, R1839L.
Identifiers: ClinVar variation 1311173 (VCV001311173.2), dbSNP rs760427137, ClinGen allele CA809599.